The following is an entry in ClinVar:

NM_002317.7(LOX):c.316A>C (p.Thr106Pro)

Genes: SRFBP1 (serum response factor binding protein 1; plus strand), LOX (lysyl oxidase; minus strand). Cytogenetic location: 5q23.1.
Variant type: single nucleotide variant.
Coding change: c.316A>C on transcript NM_002317.7 (MANE Select); coding-DNA position 316, A replaced by C.
Protein change: p.Thr106Pro; replaces threonine 106 with proline.
Molecular consequence: missense variant.
Genome position (GRCh38, 1-based): chr5:122,077,670, T>G on the plus strand (A>C on the coding strand, the complement: LOX is on the minus strand). VCF-style: chr5-122077670-T-G. GRCh37 (hg19) VCF-style: chr5-121413365-T-G.
Other names: short protein forms T106P.
Identifiers: ClinVar variation 1728402 (VCV001728402.4), dbSNP rs575026013, ClinGen allele CA3384067.
Genomic context (GRCh38, chr5:122,077,670, plus strand): 5'-GGAACCAGTGACGGGCGGTGGGCCTGGGGCGGCCAGCGGTGACTCCAGATGAGCCGGCCG[T>G]CCGCGTTCGCGCCGCGGCGGTGCGGTTGTCGCGGATCAGCAGGATCGGAGTGCGGGGCTG-3'
Protein context (NP_002308.2, residues 96-116): DNRTAAARTR[Thr106Pro]AGSSGVTAGR

ClinVar aggregate classification (germline): Conflicting classifications of pathogenicity. Review status: criteria provided, conflicting classifications (1 of 4 stars). 2 submissions from 2 submitters: Uncertain significance (1); Likely benign (1). Last evaluated 2025-12-09.

Conditions:
Cardiovascular phenotype. Identifiers: MedGen CN230736.

Allele frequency attached by ClinVar (database versions not stated): TOPMed 0.00001; gnomAD exomes 0.00002; gnomAD 0.00003; ExAC 0.00015; 1000 Genomes Project 30x 0.00031; 1000 Genomes Project 0.00040.
gnomAD v4.1: 37 of 1,604,604 alleles (0.0023%); highest among the groups gnomAD compares: South Asian, 0.026%; no homozygotes.

Submissions (2):

Labcorp Genetics (formerly Invitae), Labcorp
Classification: Likely benign. Last evaluated: 2025-12-09. Review status: criteria provided, single submitter. Criteria: Invitae Variant Classification Sherloc (09022015). Collection method: clinical testing. Allele origin: germline.

Ambry Genetics
Classification: Uncertain significance for Cardiovascular phenotype. Last evaluated: 2025-10-05. Review status: criteria provided, single submitter. Criteria: Ambry Variant Classification Scheme 2023. Collection method: clinical testing. Allele origin: germline.
Comment: The p.T106P variant (also known as c.316A>C), located in coding exon 1 of the LOX gene, results from an A to C substitution at nucleotide position 316. The threonine at codon 106 is replaced by proline, an amino acid with highly similar properties. This amino acid position is conserved. In addition, this alteration is predicted to be tolerated by in silico analysis. Since supporting evidence is limited at this time, the clinical significance of this alteration remains unclear.